The following is an entry in ClinVar:

NM_015192.4(PLCB1):c.2930A>G (p.Lys977Arg)

Gene: PLCB1 (phospholipase C beta 1; plus strand). Cytogenetic location: 20p12.3.
Variant type: single nucleotide variant.
Coding change: c.2930A>G on transcript NM_015192.4 (MANE Select); coding-DNA position 2930, A replaced by G.
Protein change: p.Lys977Arg; replaces lysine 977 with arginine.
Molecular consequence: missense variant.
Genome position (GRCh38, 1-based): chr20:8,765,358, A>G. VCF-style: chr20-8765358-A-G. GRCh37 (hg19) VCF-style: chr20-8746005-A-G.
Other names: c.2930A>G, p.Lys977Arg (NM_182734.3); c.2930A>G (NM_015192.2); short protein forms K977R.
Identifiers: ClinVar variation 1494391 (VCV001494391.7), dbSNP rs757601519, ClinGen allele CA9760403.

ClinVar aggregate classification (germline): Uncertain significance. Review status: criteria provided, multiple submitters, no conflicts (2 of 4 stars). 2 submissions from 2 submitters: Uncertain significance (2). Last evaluated 2025-07-01.

Conditions:
Developmental and epileptic encephalopathy, 12 (DEE12). Identifiers: MedGen C3150988, MONDO:0013389, OMIM 613722.

Allele frequency attached by ClinVar (database versions not stated): gnomAD exomes below 0.00001 and 0.00001; ExAC 0.00002; gnomAD 0.00004; TOPMed 0.00004.
gnomAD v4.1: 12 of 1,600,842 alleles (0.00075%); highest among the groups gnomAD compares: African/African-American, 0.015%; no homozygotes.

Submissions (2):

GeneDx
Classification: Uncertain significance. Last evaluated: 2025-07-01. Review status: criteria provided, single submitter. Criteria: GeneDx Variant Classification Process June 2021. Collection method: clinical testing. Allele origin: germline. Affected: yes.
Comment: In silico analysis suggests that this missense variant does not alter protein structure/function; Has not been previously published as pathogenic or benign to our knowledge

Labcorp Genetics (formerly Invitae), Labcorp
Classification: Uncertain significance for Developmental and epileptic encephalopathy, 12. Last evaluated: 2024-09-05. Review status: criteria provided, single submitter. Criteria: Invitae Variant Classification Sherloc (09022015). Collection method: clinical testing. Allele origin: germline.
Comment: This sequence change replaces lysine, which is basic and polar, with arginine, which is basic and polar, at codon 977 of the PLCB1 protein (p.Lys977Arg). This variant is present in population databases (rs757601519, gnomAD 0.02%). This variant has not been reported in the literature in individuals affected with PLCB1-related conditions. ClinVar contains an entry for this variant (Variation ID: 1494391). An algorithm developed to predict the effect of missense changes on protein structure and function (PolyPhen-2) suggests that this variant¬†is likely to be tolerated. In summary, the available evidence is currently insufficient to determine the role of this variant in disease. Therefore, it has been classified as a Variant of Uncertain Significance.